The following is an entry in ClinVar:

ClinVar aggregate classification (germline): Likely pathogenic. Review status: criteria provided, multiple submitters, no conflicts (2 of 4 stars). 2 submissions from 2 submitters: Likely pathogenic (2). Last evaluated 2023-06-17.

Conditions:
ADGRV1-related disorder. Also called: ADGRV1-related condition; ADGRV1-related disorders.

Submissions (2):

Labcorp Genetics (formerly Invitae), Labcorp
Classification: Likely pathogenic. Last evaluated: 2023-06-17. Review status: criteria provided, single submitter. Criteria: Invitae Variant Classification Sherloc (09022015). Collection method: clinical testing. Allele origin: germline.
Comment: This sequence change affects an acceptor splice site in intron 67 of the ADGRV1 gene. It is expected to disrupt RNA splicing. Variants that disrupt the donor or acceptor splice site typically lead to a loss of protein function (PMID: 16199547), and loss-of-function variants in ADGRV1 are known to be pathogenic (PMID: 19357117, 22135276, 22147658, 26226137, 30718709, 31047384, 32467589). This variant is not present in population databases (gnomAD no frequency). This variant has not been reported in the literature in individuals affected with ADGRV1-related conditions. Algorithms developed to predict the effect of sequence changes on RNA splicing suggest that this variant may disrupt the consensus splice site. In summary, the currently available evidence indicates that the variant is pathogenic, but additional data are needed to prove that conclusively. Therefore, this variant has been classified as Likely Pathogenic.

Blueprint Genetics
Classification: Likely pathogenic for ADGRV1-related disorders. Last evaluated: 2023-03-31. Review status: criteria provided, single submitter. Criteria: ACMG Guidelines, 2015. Collection method: clinical testing. Allele origin: germline. Affected: yes. Observed: 2 variant alleles.

Literature cited by the submitters: PubMed 16199547 (cited by Labcorp Genetics (formerly Invitae), Labcorp); PubMed 19357117 (cited by Labcorp Genetics (formerly Invitae), Labcorp); PubMed 22135276 (cited by Labcorp Genetics (formerly Invitae), Labcorp); PubMed 22147658 (cited by Labcorp Genetics (formerly Invitae), Labcorp); PubMed 26226137 (cited by Labcorp Genetics (formerly Invitae), Labcorp); PubMed 30718709 (cited by Labcorp Genetics (formerly Invitae), Labcorp); PubMed 31047384 (cited by Labcorp Genetics (formerly Invitae), Labcorp); PubMed 32467589 (cited by Labcorp Genetics (formerly Invitae), Labcorp).

NM_032119.4(ADGRV1):c.13654-2A>G

Gene: ADGRV1 (adhesion G protein-coupled receptor V1; plus strand). Cytogenetic location: 5q14.3.
Variant type: single nucleotide variant.
Coding change: c.13654-2A>G on transcript NM_032119.4 (MANE Select); the canonical splice acceptor site of the intron before coding-DNA position 13654, A replaced by G.
Molecular consequence: splice acceptor variant.
Genome position (GRCh38, 1-based): chr5:90,788,069, A>G. VCF-style: chr5-90788069-A-G. GRCh37 (hg19) VCF-style: chr5-90083886-A-G.
Identifiers: ClinVar variation 2718466 (VCV002718466.4), dbSNP rs1228453160, ClinGen allele CA360396433.